The following is an entry in ClinVar:

ClinVar aggregate classification (germline): Uncertain significance. Review status: criteria provided, multiple submitters, no conflicts (2 of 4 stars). 2 submissions from 2 submitters: Uncertain significance (2). Last evaluated 2023-05-26.

Conditions:
Epileptic encephalopathy. Identifiers: MedGen C0543888, HP:0200134.

Allele frequency attached by ClinVar (database versions not stated): gnomAD exomes below 0.00001 and 0.00002; TOPMed 0.00003; gnomAD 0.00004.
gnomAD v4.1: 40 of 1,613,834 alleles (0.0025%); highest among the groups gnomAD compares: Non-Finnish European, 0.0032%; no homozygotes.

Submissions (2):

Ambry Genetics
Classification: Uncertain significance. Last evaluated: 2023-05-26. Review status: criteria provided, single submitter. Criteria: Ambry Variant Classification Scheme 2023. Collection method: clinical testing. Allele origin: germline.

Labcorp Genetics (formerly Invitae), Labcorp
Classification: Uncertain significance for Epileptic encephalopathy. Last evaluated: 2022-06-27. Review status: criteria provided, single submitter. Criteria: Invitae Variant Classification Sherloc (09022015). Collection method: clinical testing. Allele origin: germline.
Comment: In summary, the available evidence is currently insufficient to determine the role of this variant in disease. Therefore, it has been classified as a Variant of Uncertain Significance. Algorithms developed to predict the effect of missense changes on protein structure and function are either unavailable or do not agree on the potential impact of this missense change (SIFT: "Deleterious"; PolyPhen-2: "Probably Damaging"; Align-GVGD: "Class C0"). ClinVar contains an entry for this variant (Variation ID: 933739). This variant has not been reported in the literature in individuals affected with RYR3-related conditions. This variant is present in population databases (no rsID available, gnomAD 0.0009%). This sequence change replaces arginine, which is basic and polar, with histidine, which is basic and polar, at codon 4053 of the RYR3 protein (p.Arg4053His).

NM_001036.6(RYR3):c.12158G>A (p.Arg4053His)

Gene: RYR3 (ryanodine receptor 3; plus strand). Cytogenetic location: 15q14.
Variant type: single nucleotide variant.
Coding change: c.12158G>A on transcript NM_001036.6 (MANE Select); coding-DNA position 12158, G replaced by A.
Protein change: p.Arg4053His; replaces arginine 4053 with histidine.
Molecular consequence: missense variant.
Genome position (GRCh38, 1-based): chr15:33,838,138, G>A. VCF-style: chr15-33838138-G-A. GRCh37 (hg19) VCF-style: chr15-34130339-G-A.
Other names: c.12158G>A (NM_001036.3); c.12143G>A, p.Arg4048His (NM_001243996.4); short protein forms R4048H, R4053H.
Identifiers: ClinVar variation 933739 (VCV000933739.11), dbSNP rs1311433743, ClinGen allele CA391594144.